The following is an entry in ClinVar:

NM_000038.6(APC):c.3316G>T (p.Gly1106Ter)

Gene: APC (APC regulator of Wnt signaling pathway; plus strand). Cytogenetic location: 5q22.2.
Variant type: single nucleotide variant.
Coding change: c.3316G>T on transcript NM_000038.6 (MANE Select); coding-DNA position 3316, G replaced by T.
Protein change: p.Gly1106Ter; replaces glycine 1106 with a stop codon.
Molecular consequence: nonsense.
Genome position (GRCh38, 1-based): chr5:112,838,910, G>T. VCF-style: chr5-112838910-G-T. GRCh37 (hg19) VCF-style: chr5-112174607-G-T.
Other names: c.3316G>T, p.Gly1106Ter (NM_001127510.3, NM_001354895.2); c.3262G>T, p.Gly1088Ter (NM_001127511.3); c.3370G>T, p.Gly1124Ter (NM_001354896.2); c.3346G>T, p.Gly1116Ter (NM_001354897.2); c.3241G>T, p.Gly1081Ter (NM_001354898.2); c.3232G>T, p.Gly1078Ter (NM_001354899.2); c.3193G>T, p.Gly1065Ter (NM_001354900.2); c.3139G>T, p.Gly1047Ter (NM_001354901.2); and 5 more; short protein forms G1106*, G1088*, G1078*, G1124*, G823*, G980*, G1015*, G1047*.
Identifiers: ClinVar variation 469917 (VCV000469917.10), dbSNP rs1554084921, ClinGen allele CA16028608.

ClinVar aggregate classification (germline): Pathogenic (1 of 4 stars; one submission).

Conditions:
Familial adenomatous polyposis 1 (FAP1). Also called: POLYPOSIS, ADENOMATOUS INTESTINAL; FAMILIAL ADENOMATOUS POLYPOSIS 1, ATTENUATED. Identifiers: MedGen C2713442, MONDO:0021056, OMIM 175100. Disease mechanism: loss of function.

Submission:

Labcorp Genetics (formerly Invitae), Labcorp
Classification: Pathogenic for Familial adenomatous polyposis 1. Last evaluated: 2017-04-30. Review status: criteria provided, single submitter. Criteria: Invitae Variant Classification Sherloc (09022015). Collection method: clinical testing. Allele origin: germline.
Comment: This sequence change results in a premature translational stop signal in the last exon of the APC mRNA at codon 1106 (p.Gly1106*). While this is not anticipated to result in nonsense mediated decay, it is expected to delete the last 1737 amino acids of the APC protein. While this particular variant has not been reported in the literature, loss-of-function variants in APC are known to be pathogenic (PMID: 20685668, 17963004) and multiple truncating variants located downstream of this variant have been determined to be pathogenic (Invitae database). This suggests that deletion of this region of the APC protein is causative of disease. For these reasons, this variant has been classified as Pathogenic.

Literature cited by the submitters: PubMed 20685668; PubMed 17963004.